The following is an entry in ClinVar:

ClinVar aggregate classification (germline): Conflicting classifications of pathogenicity. Review status: criteria provided, conflicting classifications (1 of 4 stars). 3 submissions from 2 submitters: Likely pathogenic (1); Uncertain significance (2). Last evaluated 2023-03-04.

Conditions:
Maturity-onset diabetes of the young (MODY). Also called: Maturity onset diabetes mellitus in young. Identifiers: Orphanet 552, MedGen C0342276, MONDO:0018911, HP:0004904.
Transitory neonatal diabetes mellitus. Also called: Transient neonatal diabetes mellitus. Identifiers: MedGen C0342273, MONDO:0020525, HP:0008255.

Allele frequency attached by ClinVar (database versions not stated): gnomAD 0.00001; TOPMed 0.00002.

Submissions (3):

Labcorp Genetics (formerly Invitae), Labcorp
Classification: Likely pathogenic. Last evaluated: 2023-03-04. Review status: criteria provided, single submitter. Criteria: Invitae Variant Classification Sherloc (09022015). Collection method: clinical testing. Allele origin: germline.
Comment: This variant has not been reported in the literature in individuals affected with ABCC8-related conditions. This variant is not present in population databases (gnomAD no frequency). This sequence change affects a donor splice site in intron 21 of the ABCC8 gene. It is expected to disrupt RNA splicing. Variants that disrupt the donor or acceptor splice site typically lead to a loss of protein function (PMID: 16199547), and loss-of-function variants in ABCC8 are known to be pathogenic (PMID: 20685672, 23345197). ClinVar contains an entry for this variant (Variation ID: 1684532). In summary, the currently available evidence indicates that the variant is pathogenic, but additional data are needed to prove that conclusively. Therefore, this variant has been classified as Likely Pathogenic. Algorithms developed to predict the effect of sequence changes on RNA splicing suggest that this variant may disrupt the consensus splice site.

Clinical Genomics, Uppaluri K&H Personalized Medicine Clinic
Classification: Uncertain significance for Transitory neonatal diabetes mellitus. Review status: criteria provided, single submitter. Criteria: K & H Uppaluri Personalized Medicine Clinic Variant Classification & Assertion Criteria_Updated V.1. Collection method: research. Allele origin: somatic. Inheritance: Somatic mutation.
Comment: Mutations in ABCC8 gene are associated with both neonatal diabetes mellitus as well as MODY. Patients with this mutation may have a better response to sulfonylureas. However, no sufficient evidence is found to ascertain the role of this particular variant ( rs749271190) in neonatal diabetes yet.

Clinical Genomics, Uppaluri K&H Personalized Medicine Clinic
Classification: Uncertain significance for Maturity-onset diabetes of the young. Review status: criteria provided, single submitter. Criteria: K & H Uppaluri Personalized Medicine Clinic Variant Classification & Assertion Criteria_Updated V.1. Collection method: research. Allele origin: somatic. Inheritance: Somatic mutation.
Comment: Mutations in ABCC8 gene are associated with both neonatal diabetes mellitus as well as MODY. Patients with this mutation may have a better response to sulfonylureas. However, no sufficient evidence is found to ascertain the role of this particular variant ( rs749271190) in MODY yet.

Literature cited by the submitters: PubMed 16199547 (cited by Labcorp Genetics (formerly Invitae), Labcorp); PubMed 20685672 (cited by Labcorp Genetics (formerly Invitae), Labcorp); PubMed 23345197 (cited by Labcorp Genetics (formerly Invitae), Labcorp); PubMed 16885549 (cited by Clinical Genomics, Uppaluri K&H Personalized Medicine Clinic); PubMed 21989597 (cited by Clinical Genomics, Uppaluri K&H Personalized Medicine Clinic); PubMed 27538677 (cited by Clinical Genomics, Uppaluri K&H Personalized Medicine Clinic); PubMed 18981553 (cited by Clinical Genomics, Uppaluri K&H Personalized Medicine Clinic); PubMed 32027066 (cited by Clinical Genomics, Uppaluri K&H Personalized Medicine Clinic); PubMed 16613899 (cited by Clinical Genomics, Uppaluri K&H Personalized Medicine Clinic); PubMed 18025408 (cited by Clinical Genomics, Uppaluri K&H Personalized Medicine Clinic); PubMed 32792356 (cited by Clinical Genomics, Uppaluri K&H Personalized Medicine Clinic).

NM_000352.6(ABCC8):c.2556+1G>T

Gene: ABCC8 (ATP binding cassette subfamily C member 8; minus strand). Cytogenetic location: 11p15.1.
Variant type: single nucleotide variant.
Coding change: c.2556+1G>T on transcript NM_000352.6 (MANE Select); the canonical splice donor site of the intron after coding-DNA position 2556, G replaced by T.
Molecular consequence: splice donor variant.
Genome position (GRCh38, 1-based): chr11:17,412,665, C>A on the plus strand (G>T on the coding strand, the complement: ABCC8 is on the minus strand). VCF-style: chr11-17412665-C-A. GRCh37 (hg19) VCF-style: chr11-17434212-C-A.
Other names: c.2553+1G>T (NM_001351297.2); c.2556+1G>T (NM_001351296.2); c.2622+1G>T (NM_001351295.2); c.2559+1G>T (NM_001287174.3).
Identifiers: ClinVar variation 1684532 (VCV001684532.4), dbSNP rs749271190, ClinGen allele CA218427985.